The following is an entry in ClinVar:

ClinVar aggregate classification (germline): Uncertain significance. Review status: criteria provided, multiple submitters, no conflicts (2 of 4 stars). 6 submissions from 6 submitters: Uncertain significance (6). Last evaluated 2025-10-13.

Conditions:
Familial adenomatous polyposis 3. Also called: NTHL1-Related Adenomatous Polyposis and Colorectal Cancer; NTHL1-associated polyposis; NTHL1-related attenuated familial adenomatous polyposis; NTHL1 Tumor Syndrome. Identifiers: Orphanet 220460, Orphanet 454840, MedGen C4225157, MONDO:0014630, OMIM 616415.
Hereditary cancer-predisposing syndrome. Also called: Tumor predisposition; Neoplastic Syndromes, Hereditary; Hereditary Cancer Syndrome; Hereditary neoplastic syndrome. Identifiers: Orphanet 140162, MedGen C0027672, MeSH D009386, MONDO:0015356.

Allele frequency attached by ClinVar (database versions not stated): gnomAD 0.00001; gnomAD exomes 0.00001 and 0.00003; TOPMed 0.00003.
gnomAD v4.1: 11 of 1,589,018 alleles (0.00069%); highest among the groups gnomAD compares: Admixed American, 0.017%; no homozygotes.

Submissions (6):

Labcorp Genetics (formerly Invitae), Labcorp
Classification: Uncertain significance. Last evaluated: 2025-10-13. Review status: criteria provided, single submitter. Criteria: Invitae Variant Classification Sherloc (09022015). Collection method: clinical testing. Allele origin: germline.
Comment: This sequence change replaces glycine, which is neutral and non-polar, with arginine, which is basic and polar, at codon 24 of the NTHL1 protein (p.Gly24Arg). This variant is present in population databases (no rsID available, gnomAD 0.02%). This variant has not been reported in the literature in individuals affected with NTHL1-related conditions. ClinVar contains an entry for this variant (Variation ID: 661240). An algorithm developed to predict the effect of missense changes on protein structure and function (PolyPhen-2) suggests that this variant is likely to be disruptive. In summary, the available evidence is currently insufficient to determine the role of this variant in disease. Therefore, it has been classified as a Variant of Uncertain Significance.

St. Jude Molecular Pathology, St. Jude Children's Research Hospital
Classification: Uncertain significance for Familial adenomatous polyposis 3. Last evaluated: 2024-06-27. Review status: criteria provided, single submitter. Criteria: St. Jude Assertion Criteria 2020. Collection method: clinical testing. Allele origin: germline.
Comment: The NTHL1 c.46G>C (p.Gly16Arg) missense change has a maximum subpopulation frequency of 0.02% in gnomAD v2.1.1. The in silico tool REVEL predicts a benign effect on protein function, but to our knowledge this prediction has not been confirmed by functional studies. To our knowledge, this variant has not been reported in individuals with NTHL1-associated polyposis. In summary, the evidence currently available is insufficient to determine the clinical significance of this variant. It has therefore been classified as of uncertain significance.

Quest Diagnostics Nichols Institute San Juan Capistrano
Classification: Uncertain significance. Last evaluated: 2024-05-03. Review status: criteria provided, single submitter. Criteria: Quest Diagnostics criteria. Collection method: clinical testing. Allele origin: unknown.
Comment: The NTHL1 c.70G>C (p.Gly24Arg) variant has not been reported in individuals with NTHL1-related conditions in the published literature. The frequency of this variant in the general population, 0.00021 (7/32576 chromosomes (Genome Aggregation Database)), is uninformative in the assessment of its pathogenicity. Analysis of this variant using bioinformatics tools for the prediction of the effect of amino acid changes on protein structure and function yielded predictions that this variant is benign. Based on the available information, we are unable to determine the clinical significance of this variant.

Ambry Genetics
Classification: Uncertain significance for Hereditary cancer-predisposing syndrome. Last evaluated: 2023-11-15. Review status: criteria provided, single submitter. Criteria: Ambry Variant Classification Scheme 2023. Collection method: clinical testing. Allele origin: germline.
Comment: The p.G24R variant (also known as c.70G>C), located in coding exon 1 of the NTHL1 gene, results from a G to C substitution at nucleotide position 70. The glycine at codon 24 is replaced by arginine, an amino acid with dissimilar properties. This amino acid position is not well conserved in available vertebrate species. In addition, this alteration is predicted to be tolerated by in silico analysis. Since supporting evidence is limited at this time, the clinical significance of this alteration remains unclear.

Sema4
Classification: Uncertain significance for Hereditary cancer-predisposing syndrome. Last evaluated: 2021-08-09. Review status: criteria provided, single submitter. Criteria: Sema4 Curation Guidelines. Collection method: curation. Allele origin: germline.
Comment: The NTHL1 c.70G>C (p.G24R) variant has not been reported in the literature to our knowledge. It was observed in 7/32576 chromosomes of the Latino (AMR) subpopulation in the large and broad cohorts of the Genome Aggregation Database (PMID: 32461654). The variant has been reported in ClinVar (Variation ID: 661240). In silico tools suggest the impact of the variant on protein function is benign, though these predictions have not been confirmed by functional studies. The evidence is insufficient to meet ACMG/AMP criteria for classifying the variant as benign or pathogenic. Thus, the clinical significance of this variant is currently uncertain.

Baylor Genetics
Classification: Uncertain significance for Familial adenomatous polyposis 3. Last evaluated: 2018-10-30. Review status: criteria provided, single submitter. Criteria: ACMG Guidelines, 2015. Collection method: clinical testing. Allele origin: unknown. Affected: yes. Study: CSER-TexasKidsCanSeq.
Comment: This variant was determined to be of uncertain significance according to ACMG Guidelines, 2015 [PMID:25741868].

NM_002528.7(NTHL1):c.46G>C (p.Gly16Arg)

Gene: NTHL1 (nth like DNA glycosylase 1; minus strand). Cytogenetic location: 16p13.3.
Variant type: single nucleotide variant.
Coding change: c.46G>C on transcript NM_002528.7 (MANE Select); coding-DNA position 46, G replaced by C.
Protein change: p.Gly16Arg; replaces glycine 16 with arginine.
Molecular consequence: missense variant. On other transcripts: 5 prime UTR variant (1).
Genome position (GRCh38, 1-based): chr16:2,047,778, C>G on the plus strand (G>C on the coding strand, the complement: NTHL1 is on the minus strand). VCF-style: chr16-2047778-C-G. GRCh37 (hg19) VCF-style: chr16-2097779-C-G.
Other names: c.46G>C, p.Gly16Arg (LRG_1366t1, NM_001318193.2); c.-133G>C (NM_001318194.2); short protein forms G16R.
Identifiers: ClinVar variation 661240 (VCV000661240.18), dbSNP rs1271271380, ClinGen allele CA394298518.